The following is an entry in ClinVar:

NM_145166.4(ZBTB47):c.1115dup (p.Pro373fs)

Gene: ZBTB47 (zinc finger and BTB domain containing 47; plus strand). Cytogenetic location: 3p22.1.
Variant type: Duplication.
Coding change: c.1115dup on transcript NM_145166.4 (MANE Select); coding-DNA position 1115, one base duplicated (C; older notation c.1115dupC).
Protein change: p.Pro373fs; shifts the reading frame from proline 373.
Molecular consequence: frameshift variant.
Genome position (GRCh38, 1-based): chr3:42,659,470, C duplicated; the last of 6 consecutive C bases (chr3:42,659,465-42,659,470); duplicating any one gives the same sequence. VCF-style (leftmost placement, unchanged base first): chr3-42659464-A-AC. GRCh37 (hg19) VCF-style: chr3-42700956-A-AC.
Other names: c.1199dup, p.Pro401fs (NM_001410746.1); short protein forms P373fs, P401fs.
Identifiers: ClinVar variation 4083154 (VCV004083154.1).

ClinVar aggregate classification (germline): Uncertain significance (1 of 4 stars; one submission).

Submission:

GeneDx
Classification: Uncertain significance. Last evaluated: 2025-03-15. Review status: criteria provided, single submitter. Criteria: GeneDx Variant Classification Process June 2021. Collection method: clinical testing. Allele origin: germline. Affected: yes.
Comment: Not observed at significant frequency in large population cohorts (gnomAD); Frameshift variant predicted to result in protein truncation or nonsense mediated decay in a gene or region of a gene for which loss of function is not a well-established mechanism of disease; Has not been previously published as pathogenic or benign to our knowledge